The following is an entry in ClinVar:

ClinVar aggregate classification (germline): Uncertain significance (1 of 4 stars; one submission).

Allele frequency attached by ClinVar (database versions not stated): ESP Exome Variant Server 0.00015.
gnomAD v4.1: 360 of 1,613,658 alleles (0.022%); highest among the groups gnomAD compares: Non-Finnish European, 0.028%; no homozygotes.

Submission:

Labcorp Genetics (formerly Invitae), Labcorp
Classification: Uncertain significance. Last evaluated: 2025-08-15. Review status: criteria provided, single submitter. Criteria: Invitae Variant Classification Sherloc (09022015). Collection method: clinical testing. Allele origin: germline.
Comment: This sequence change replaces aspartic acid, which is acidic and polar, with tyrosine, which is neutral and polar, at codon 249 of the SCARB1 protein (p.Asp249Tyr). This variant is present in population databases (rs201357313, gnomAD 0.01%). This missense change has been observed in individual(s) with clinical features of SCARB1-related conditions (PMID: 32041611, 35999587). ClinVar contains an entry for this variant (Variation ID: 2190937). Invitae Evidence Modeling of protein sequence and biophysical properties (such as structural, functional, and spatial information, amino acid conservation, physicochemical variation, residue mobility, and thermodynamic stability) indicates that this missense variant is not expected to disrupt SCARB1 protein function with a negative predictive value of 80%. In summary, the available evidence is currently insufficient to determine the role of this variant in disease. Therefore, it has been classified as a Variant of Uncertain Significance.

Literature cited by the submitters: PubMed 32041611; PubMed 35999587.

NM_005505.5(SCARB1):c.745G>T (p.Asp249Tyr)

Gene: SCARB1 (scavenger receptor class B member 1; minus strand). Cytogenetic location: 12q24.31.
Variant type: single nucleotide variant.
Coding change: c.745G>T on transcript NM_005505.5 (MANE Select); coding-DNA position 745, G replaced by T.
Protein change: p.Asp249Tyr; replaces aspartic acid 249 with tyrosine.
Molecular consequence: missense variant. On other transcripts: non-coding transcript variant (6), intron variant (2).
Genome position (GRCh38, 1-based): chr12:124,810,271, C>A on the plus strand (G>T on the coding strand, the complement: SCARB1 is on the minus strand). VCF-style: chr12-124810271-C-A. GRCh37 (hg19) VCF-style: chr12-125294817-C-A.
Other names: c.745G>T, p.Asp249Tyr (NM_001082959.2, NM_001367981.1, NM_001367983.1 and 4 more transcripts); c.622G>T, p.Asp208Tyr (NM_001367982.1); c.726+1599G>T (NM_001367988.1); c.727-6G>T (NM_001367985.1); short protein forms D208Y, D249Y.
Identifiers: ClinVar variation 2190937 (VCV002190937.4), dbSNP rs201357313, ClinGen allele CA6870441.